The following is an entry in ClinVar:

NM_001286577.2(C2CD3):c.3605A>G (p.Gln1202Arg)

Gene: C2CD3 (C2 domain containing 3 centriole elongation regulator; minus strand). Cytogenetic location: 11q13.4.
Variant type: single nucleotide variant.
Coding change: c.3605A>G on transcript NM_001286577.2 (MANE Select); coding-DNA position 3605, A replaced by G.
Protein change: p.Gln1202Arg; replaces glutamine 1202 with arginine.
Molecular consequence: missense variant.
Genome position (GRCh38, 1-based): chr11:74,090,849, T>C on the plus strand (A>G on the coding strand, the complement: C2CD3 is on the minus strand). VCF-style: chr11-74090849-T-C. GRCh37 (hg19) VCF-style: chr11-73801894-T-C.
Other names: c.3605A>G, p.Gln1202Arg (NM_015531.6); c.3605A>G (NM_015531.4, NM_015531.5); short protein forms Q1202R.
Identifiers: ClinVar variation 1518930 (VCV001518930.6), dbSNP rs377120452, ClinGen allele CA6182348.
Genomic context (GRCh38, chr11:74,090,849, plus strand): 5'-ATTGCTTGTCTCAGGTGGACTTACTTGGCTGCTGCTTGCAGACCACAGGCTCTGATAATC[T>C]GGACTGAGATGGAAACAGTTCGGGCAGCAAGAACTCCCTCTGCTGTTCTTGGACTACGCC-3'
Protein context (NP_001273506.1, residues 1192-1212): LAARTVSISV[Gln1202Arg]IIRACGLQAA

ClinVar aggregate classification (germline): Uncertain significance. Review status: criteria provided, multiple submitters, no conflicts (2 of 4 stars). 3 submissions from 3 submitters: Uncertain significance (3). Last evaluated 2024-04-01.

Conditions:
Inborn genetic diseases. Identifiers: MedGen C0950123, MeSH D030342.

Allele frequency attached by ClinVar (database versions not stated): gnomAD 0.00001 and 0.00003; gnomAD exomes 0.00002 and 0.00006; ExAC 0.00006; TOPMed 0.00006.
gnomAD v4.1: 45 of 1,614,162 alleles (0.0028%); highest among the groups gnomAD compares: South Asian, 0.032%; no homozygotes.

Submissions (3):

Ambry Genetics
Classification: Uncertain significance for Inborn genetic diseases. Last evaluated: 2024-04-01. Review status: criteria provided, single submitter. Criteria: Ambry Variant Classification Scheme 2023. Collection method: clinical testing. Allele origin: germline.

GeneDx
Classification: Uncertain significance. Last evaluated: 2023-12-28. Review status: criteria provided, single submitter. Criteria: GeneDx Variant Classification Process June 2021. Collection method: clinical testing. Allele origin: germline. Affected: yes.
Comment: In silico analysis supports that this missense variant does not alter protein structure/function; Has not been previously published as pathogenic or benign to our knowledge

Labcorp Genetics (formerly Invitae), Labcorp
Classification: Uncertain significance. Last evaluated: 2022-08-16. Review status: criteria provided, single submitter. Criteria: Invitae Variant Classification Sherloc (09022015). Collection method: clinical testing. Allele origin: germline.
Comment: This sequence change replaces glutamine, which is neutral and polar, with arginine, which is basic and polar, at codon 1202 of the C2CD3 protein (p.Gln1202Arg). This variant is present in population databases (rs377120452, gnomAD 0.03%). This variant has not been reported in the literature in individuals affected with C2CD3-related conditions. ClinVar contains an entry for this variant (Variation ID: 1518930). Algorithms developed to predict the effect of missense changes on protein structure and function (SIFT, PolyPhen-2, Align-GVGD) all suggest that this variant is likely to be tolerated. In summary, the available evidence is currently insufficient to determine the role of this variant in disease. Therefore, it has been classified as a Variant of Uncertain Significance.